The following is an entry in ClinVar:

NM_006393.3(NEBL):c.1541C>T (p.Ala514Val)

Gene: NEBL (nebulette; minus strand). Cytogenetic location: 10p12.31.
Variant type: single nucleotide variant.
Coding change: c.1541C>T on transcript NM_006393.3 (MANE Select); coding-DNA position 1541, C replaced by T.
Protein change: p.Ala514Val; replaces alanine 514 with valine.
Molecular consequence: missense variant. On other transcripts: intron variant (9).
Genome position (GRCh38, 1-based): chr10:20,831,492, G>A on the plus strand (C>T on the coding strand, the complement: NEBL is on the minus strand). VCF-style: chr10-20831492-G-A. GRCh37 (hg19) VCF-style: chr10-21120421-G-A.
Other names: c.250-18552C>T (NM_001377326.1, NM_001377327.1, NM_001377328.1); c.358-18552C>T (NM_213569.2, NM_001173484.2, NM_001377322.1); c.301-18552C>T (NM_001377324.1); c.292-18552C>T (NM_001377325.1); c.310-18552C>T (NM_001377323.1); short protein forms A514V.
Identifiers: ClinVar variation 454262 (VCV000454262.10), dbSNP rs1256153819, ClinGen allele CA376097600.

ClinVar aggregate classification (germline): Uncertain significance. Review status: criteria provided, multiple submitters, no conflicts (2 of 4 stars). 2 submissions from 2 submitters: Uncertain significance (2). Last evaluated 2024-08-28.

Conditions:
Primary dilated cardiomyopathy (DCM). Also called: Dilated Cardiomyopathy. Identifiers: Orphanet 217604, MedGen C0007193, MeSH D002311, MONDO:0005021, HP:0001644. Inheritance: Various modes of inheritance.

Allele frequency attached by ClinVar (database versions not stated): gnomAD exomes below 0.00001 and 0.00001.
gnomAD v4.1: 3 of 1,610,596 alleles (0.00019%); highest among the groups gnomAD compares: Admixed American, 0.005%; no homozygotes.

Submissions (2):

Ambry Genetics
Classification: Uncertain significance. Last evaluated: 2024-08-28. Review status: criteria provided, single submitter. Criteria: Ambry Variant Classification Scheme 2023. Collection method: clinical testing. Allele origin: germline.

Labcorp Genetics (formerly Invitae), Labcorp
Classification: Uncertain significance for Primary dilated cardiomyopathy. Last evaluated: 2017-03-07. Review status: criteria provided, single submitter. Criteria: Invitae Variant Classification Sherloc (09022015). Collection method: clinical testing. Allele origin: germline.
Comment: In summary, this variant is a novel missense change with uncertain impact on protein function. It has been classified as a Variant of Uncertain Significance. Algorithms developed to predict the effect of sequence changes on RNA splicing suggest that this variant may alter RNA splicing, but this prediction has not been confirmed by published transcriptional studies. Algorithms developed to predict the effect of missense changes on protein structure and function (SIFT, PolyPhen-2, Align-GVGD) all suggest that this variant is likely to be tolerated, but these predictions have not been confirmed by published functional studies. This variant is not present in population databases (ExAC no frequency) and has not been reported in the literature in individuals with a NEBL-related disease. This sequence change replaces alanine with valine at codon 514 of the NEBL protein (p.Ala514Val). The alanine residue is moderately conserved and there is a small physicochemical difference between alanine and valine.